The following is an entry in ClinVar:

NM_000465.4(BARD1):c.1226C>G (p.Ser409Cys)

Gene: BARD1 (BRCA1 associated RING domain 1; minus strand). Cytogenetic location: 2q35.
Variant type: single nucleotide variant.
Coding change: c.1226C>G on transcript NM_000465.4 (MANE Select); coding-DNA position 1226, C replaced by G.
Protein change: p.Ser409Cys; replaces serine 409 with cysteine.
Molecular consequence: missense variant. On other transcripts: non-coding transcript variant (2), intron variant (3).
Genome position (GRCh38, 1-based): chr2:214,780,648, G>C on the plus strand (C>G on the coding strand, the complement: BARD1 is on the minus strand). VCF-style: chr2-214780648-G-C. GRCh37 (hg19) VCF-style: chr2-215645372-G-C.
Other names: c.1169C>G, p.Ser390Cys (NM_001282543.2); c.159-28093C>G (NM_001282548.2); c.215+16413C>G (NM_001282545.2); c.364+11649C>G (NM_001282549.2); short protein forms S409C, S390C.
Identifiers: ClinVar variation 185502 (VCV000185502.28), dbSNP rs786202226, ClinGen allele CA192141.

ClinVar aggregate classification (germline): Uncertain significance. Review status: criteria provided, multiple submitters, no conflicts (2 of 4 stars). 6 submissions from 6 submitters: Uncertain significance (6). Last evaluated 2026-01-06.

Conditions:
Hereditary cancer-predisposing syndrome. Also called: Hereditary neoplastic syndrome; Neoplastic Syndromes, Hereditary; Tumor predisposition; Hereditary Cancer Syndrome. Identifiers: Orphanet 140162, MedGen C0027672, MeSH D009386, MONDO:0015356.
Familial cancer of breast. Also called: BREAST CANCER, FAMILIAL; Hereditary breast cancer; hereditary breast carcinoma. Identifiers: Orphanet 227535, MedGen C0346153, MONDO:0016419, OMIM 114480. Disease mechanism: loss of function.

Allele frequency attached by ClinVar (database versions not stated): gnomAD exomes below 0.00001; TOPMed below 0.00001; gnomAD 0.00001.
gnomAD v4.1: 7 of 1,613,990 alleles (0.00043%); highest among the groups gnomAD compares: Non-Finnish European, 0.00051%; no homozygotes.

Submissions (6):

Labcorp Genetics (formerly Invitae), Labcorp
Classification: Uncertain significance for Familial cancer of breast. Last evaluated: 2026-01-06. Review status: criteria provided, single submitter. Criteria: Invitae Variant Classification Sherloc (09022015). Collection method: clinical testing. Allele origin: germline.
Comment: This sequence change replaces serine, which is neutral and polar, with cysteine, which is neutral and slightly polar, at codon 409 of the BARD1 protein (p.Ser409Cys). This variant is present in population databases (rs786202226, gnomAD 0.004%). This variant has not been reported in the literature in individuals affected with BARD1-related conditions. ClinVar contains an entry for this variant (Variation ID: 185502). An algorithm developed to predict the effect of missense changes on protein structure and function outputs the following: PolyPhen-2: "Benign". The cysteine amino acid residue is found in multiple mammalian species, which suggests that this missense change does not adversely affect protein function. In summary, the available evidence is currently insufficient to determine the role of this variant in disease. Therefore, it has been classified as a Variant of Uncertain Significance.

Ambry Genetics
Classification: Uncertain significance for Hereditary cancer-predisposing syndrome. Last evaluated: 2024-11-26. Review status: criteria provided, single submitter. Criteria: Ambry Variant Classification Scheme 2023. Collection method: clinical testing. Allele origin: germline.
Comment: The p.S409C variant (also known as c.1226C>G), located in coding exon 4 of the BARD1 gene, results from a C to G substitution at nucleotide position 1226. The serine at codon 409 is replaced by cysteine, an amino acid with dissimilar properties. This amino acid position is poorly conserved in available vertebrate species. In addition, this alteration is predicted to be tolerated by in silico analysis. Since supporting evidence is limited at this time, the clinical significance of this alteration remains unclear.

Fulgent Genetics
Classification: Uncertain significance for Familial cancer of breast. Last evaluated: 2024-02-07. Review status: criteria provided, single submitter. Criteria: ACMG Guidelines, 2015. Collection method: clinical testing. Allele origin: germline.

Color Diagnostics, LLC DBA Color Health
Classification: Uncertain significance for Hereditary cancer-predisposing syndrome. Last evaluated: 2021-11-05. Review status: criteria provided, single submitter. Criteria: ACMG Guidelines, 2015. Collection method: clinical testing. Allele origin: germline.
Comment: This missense variant replaces serine with cysteine at codon 409 of the BARD1 protein. Computational prediction suggests that this variant may not impact protein structure and function (internally defined REVEL score threshold <= 0.5, PMID: 27666373). To our knowledge, functional studies have not been reported for this variant. In a large breast cancer case-control study, this variant was identified in 1/60465 case and 4/53457 controls (PMID: 33471991 - Leiden Open Variation Database DB-ID BARD1_000280). This variant has been identified in 1/250972 chromosomes in the general population by the Genome Aggregation Database (gnomAD). The available evidence is insufficient to determine the role of this variant in disease conclusively. Therefore, this variant is classified as a Variant of Uncertain Significance.

ARUP Laboratories, Molecular Genetics and Genomics, ARUP Laboratories
Classification: Uncertain significance. Last evaluated: 2019-03-07. Review status: criteria provided, single submitter. Criteria: ARUP Molecular Germline Variant Investigation Process. Collection method: clinical testing. Allele origin: germline.
Comment: The BARD1 c.1226C>G; p.Ser409Cys variant (rs786202226), to our knowledge, is not reported in the medical literature but is reported as having uncertain significance in ClinVar (Variation ID: 185502). This variant is only observed on one allele in the Genome Aggregation Database, indicating it is not a common polymorphism. The serine at codon 409 is moderately conserved, but computational analyses (SIFT, PolyPhen-2) predict that this variant is tolerated. However, given the lack of clinical and functional data, the significance of this variant is uncertain at this time.

GeneDx
Classification: Uncertain significance. Last evaluated: 2017-05-26. Review status: criteria provided, single submitter. Criteria: GeneDx Variant Classification (06012015). Collection method: clinical testing. Allele origin: germline. Affected: yes.
Comment: This variant is denoted BARD1 c.1226C>G at the cDNA level, p.Ser409Cys (S409C) at the protein level, and results in the change of a Serine to a Cysteine (TCT>TGT). This variant has not, to our knowledge, been published in the literature as pathogenic or benign. BARD1 Ser409Cys was not observed in large population cohorts (NHLBI Exome Sequencing Project, The 1000 Genomes Consortium 2015, Lek 2016). Since Serine and Cysteine differ in polarity, charge, size or other properties, this is considered a non-conservative amino acid substitution. BARD1 Ser409Cys occurs at a position that is not conserved and is not located within a known functional domain. In silico analyses predict that this variant is unlikely to alter protein structure or function. Based on currently available information, it is unclear whether BARD1 Ser409Cys is pathogenic or benign. We consider it to be a variant of uncertain significance.

Literature cited by the submitters: PubMed 33471991 (cited by Color Diagnostics, LLC DBA Color Health).